The following is an entry in ClinVar:

NM_001243925.2(MAPKAPK3):c.628+4A>G

Gene: MAPKAPK3 (MAPK activated protein kinase 3; plus strand). Cytogenetic location: 3p21.2.
Variant type: single nucleotide variant.
Coding change: c.628+4A>G on transcript NM_001243925.2 (MANE Select); 4 bases into the intron after coding-DNA position 628, A replaced by G.
Molecular consequence: intron variant.
Genome position (GRCh38, 1-based): chr3:50,644,536, A>G. VCF-style: chr3-50644536-A-G. GRCh37 (hg19) VCF-style: chr3-50681967-A-G.
Other names: c.628+4A>G (NM_001243926.2, NM_004635.5).
Identifiers: ClinVar variation 957000 (VCV000957000.6), dbSNP rs1400012854, ClinGen allele CA542863427.

ClinVar aggregate classification (germline): Uncertain significance (1 of 4 stars; one submission).

Allele frequency attached by ClinVar (database versions not stated): gnomAD 0.00001; gnomAD exomes 0.00001; TOPMed 0.00001.
gnomAD v4.1: 4 of 1,613,896 alleles (0.00025%); highest among the groups gnomAD compares: Non-Finnish European, 0.00034%; no homozygotes.

Submission:

Labcorp Genetics (formerly Invitae), Labcorp
Classification: Uncertain significance. Last evaluated: 2024-10-29. Review status: criteria provided, single submitter. Criteria: Invitae Variant Classification Sherloc (09022015). Collection method: clinical testing. Allele origin: germline.
Comment: This sequence change falls in intron 8 of the MAPKAPK3 gene. It does not directly change the encoded amino acid sequence of the MAPKAPK3 protein. It affects a nucleotide within the consensus splice site. This variant is present in population databases (no rsID available, gnomAD 0.002%). This variant has not been reported in the literature in individuals affected with MAPKAPK3-related conditions. ClinVar contains an entry for this variant (Variation ID: 957000). Variants that disrupt the consensus splice site are a relatively common cause of aberrant splicing (PMID: 17576681, 9536098). Algorithms developed to predict the effect of sequence changes on RNA splicing suggest that this variant may disrupt the consensus splice site. In summary, the available evidence is currently insufficient to determine the role of this variant in disease. Therefore, it has been classified as a Variant of Uncertain Significance.

Literature cited by the submitters: PubMed 17576681; PubMed 9536098.